The following is an entry in ClinVar:

ClinVar aggregate classification (germline): Benign (1 of 4 stars; one submission).

Allele frequency attached by ClinVar (database versions not stated): 1000 Genomes Project 30x 0.10556; 1000 Genomes Project 0.10623; ExAC 0.15510; TOPMed 0.15538; gnomAD 0.16303; ESP Exome Variant Server 0.17553.
gnomAD v4.1: 313,739 of 1,608,984 alleles (19%); highest among the groups gnomAD compares: Non-Finnish European, 22%; 33,580 homozygotes.

Submission:

Unidad de Genómica Garrahan, Hospital de Pediatría Garrahan
Classification: Benign. Last evaluated: 2024-01-24. Review status: criteria provided, single submitter. Criteria: ACMG Guidelines, 2015. Collection method: clinical testing. Allele origin: germline. Affected: no. Observed: 20 variant alleles.
Comment: This variant is classified as Benign based on local population frequency. This variant was detected in 23% of patients studied by a panel of primary immunodeficiencies. Number of patients: 20. Only high quality variants are reported.

NM_001040458.3(ERAP1):c.1723G>A (p.Asp575Asn)

Gene: ERAP1 (endoplasmic reticulum aminopeptidase 1; minus strand). Cytogenetic location: 5q15.
Variant type: single nucleotide variant.
Coding change: c.1723G>A on transcript NM_001040458.3 (MANE Select); coding-DNA position 1723, G replaced by A.
Protein change: p.Asp575Asn; replaces aspartic acid 575 with asparagine.
Molecular consequence: missense variant.
Genome position (GRCh38, 1-based): chr5:96,786,506, C>T on the plus strand (G>A on the coding strand, the complement: ERAP1 is on the minus strand). VCF-style: chr5-96786506-C-T. GRCh37 (hg19) VCF-style: chr5-96122210-C-T.
Other names: c.1723G>A, p.Asp575Asn (NM_001198541.3, NM_001349244.2, NM_016442.5); short protein forms D575N.
Identifiers: ClinVar variation 2688495 (VCV002688495.2), dbSNP rs10050860, ClinGen allele CA3352165.